The following is an entry in ClinVar:

ClinVar aggregate classification (germline): Uncertain significance (1 of 4 stars; one submission).

Conditions:
Pseudo-Hurler polydystrophy. Also called: ML III; ML III ALPHA/BETA; MUCOLIPIDOSIS IIIA; Type III Mucolipidosis; ML IIIA; Mucolipidosis III Alpha/Beta. Identifiers: Orphanet 423461, Orphanet 577, MedGen C0033788, MONDO:0018931, OMIM 252600.
Mucolipidosis type II. Also called: ML II ALPHA/BETA; Mucolipidosis 2; ML 2; Inclusion cell disease; Leroy Disease; N-acetylglucosamine 1phosphotransferase deficiency. Identifiers: Orphanet 576, MedGen C2673377, MONDO:0009650, OMIM 252500.

Allele frequency attached by ClinVar (database versions not stated): gnomAD exomes below 0.00001; TOPMed below 0.00001.
gnomAD v4.1: 9 of 1,613,346 alleles (0.00056%); highest among the groups gnomAD compares: African/African-American, 0.0067%; no homozygotes.

Submission:

Labcorp Genetics (formerly Invitae), Labcorp
Classification: Uncertain significance for Pseudo-Hurler polydystrophy; Mucolipidosis type II. Last evaluated: 2022-09-27. Review status: criteria provided, single submitter. Criteria: Invitae Variant Classification Sherloc (09022015). Collection method: clinical testing. Allele origin: germline.
Comment: This sequence change replaces lysine, which is basic and polar, with arginine, which is basic and polar, at codon 834 of the GNPTAB protein (p.Lys834Arg). This variant is not present in population databases (gnomAD no frequency). This variant has not been reported in the literature in individuals affected with GNPTAB-related conditions. ClinVar contains an entry for this variant (Variation ID: 1370235). Advanced modeling of protein sequence and biophysical properties (such as structural, functional, and spatial information, amino acid conservation, physicochemical variation, residue mobility, and thermodynamic stability) performed at Invitae indicates that this missense variant is not expected to disrupt GNPTAB protein function. In summary, the available evidence is currently insufficient to determine the role of this variant in disease. Therefore, it has been classified as a Variant of Uncertain Significance.

NM_024312.5(GNPTAB):c.2501A>G (p.Lys834Arg)

Gene: GNPTAB (N-acetylglucosamine-1-phosphate transferase subunits alpha and beta; minus strand). Cytogenetic location: 12q23.2.
Variant type: single nucleotide variant.
Coding change: c.2501A>G on transcript NM_024312.5 (MANE Select); coding-DNA position 2501, A replaced by G.
Protein change: p.Lys834Arg; replaces lysine 834 with arginine.
Molecular consequence: missense variant.
Genome position (GRCh38, 1-based): chr12:101,764,416, T>C on the plus strand (A>G on the coding strand, the complement: GNPTAB is on the minus strand). VCF-style: chr12-101764416-T-C. GRCh37 (hg19) VCF-style: chr12-102158194-T-C.
Other names: short protein forms K834R.
Identifiers: ClinVar variation 1370235 (VCV001370235.5), dbSNP rs1169845050, ClinGen allele CA386298102.